The following is an entry in ClinVar:

NM_144499.3(GNAT1):c.282del (p.Ala95fs)

Gene: GNAT1 (G protein subunit alpha transducin 1; plus strand). Cytogenetic location: 3p21.31.
Variant type: Deletion.
Coding change: c.282del on transcript NM_144499.3 (MANE Select); coding-DNA position 282, one base deleted (T; older notation c.282delT).
Protein change: p.Ala95fs; shifts the reading frame from alanine 95.
Molecular consequence: frameshift variant.
Genome position (GRCh38, 1-based): chr3:50,193,397, T deleted. VCF-style (leftmost placement, unchanged base first): chr3-50193396-CT-C. GRCh37 (hg19) VCF-style: chr3-50230829-CT-C.
Other names: c.282del, p.Ala95fs (NM_000172.4); short protein forms A95fs.
Identifiers: ClinVar variation 866860 (VCV000866860.4), dbSNP rs778059585, ClinGen allele CA2412498.

ClinVar aggregate classification (germline): Pathogenic. Review status: criteria provided, multiple submitters, no conflicts (2 of 4 stars). 2 submissions from 2 submitters: Pathogenic (2). Last evaluated 2024-05-06.

Conditions:
GNAT1-related disorder. Also called: GNAT1-related condition.

Allele frequency attached by ClinVar (database versions not stated): gnomAD exomes 0.00001 and 0.00002; ExAC 0.00002; TOPMed 0.00002.

Submissions (2):

Labcorp Genetics (formerly Invitae), Labcorp
Classification: Pathogenic. Last evaluated: 2024-05-06. Review status: criteria provided, single submitter. Criteria: Invitae Variant Classification Sherloc (09022015). Collection method: clinical testing. Allele origin: germline.
Comment: This sequence change creates a premature translational stop signal (p.Ala95Hisfs*9) in the GNAT1 gene. It is expected to result in an absent or disrupted protein product. Loss-of-function variants in GNAT1 are known to be pathogenic (PMID: 11095744, 31736247). This variant is present in population databases (rs778059585, gnomAD 0.01%). This premature translational stop signal has been observed in individual(s) with retinal dystrophy (PMID: 31736247). ClinVar contains an entry for this variant (Variation ID: 866860). For these reasons, this variant has been classified as Pathogenic.

Blueprint Genetics
Classification: Pathogenic for GNAT1-related disorders. Last evaluated: 2018-11-27. Review status: criteria provided, single submitter. Criteria: ACMG Guidelines, 2015. Collection method: clinical testing. Allele origin: germline. Affected: yes. Observed: 1 variant allele.

Literature cited by the submitters: PubMed 11095744 (cited by Labcorp Genetics (formerly Invitae), Labcorp); PubMed 31736247 (cited by Labcorp Genetics (formerly Invitae), Labcorp).